The following is an entry in ClinVar:

NM_006912.6(RIT1):c.176A>C (p.Lys59Thr)

Gene: RIT1 (Ras like without CAAX 1; minus strand). Cytogenetic location: 1q22.
Variant type: single nucleotide variant.
Coding change: c.176A>C on transcript NM_006912.6 (MANE Select); coding-DNA position 176, A replaced by C.
Protein change: p.Lys59Thr; replaces lysine 59 with threonine.
Molecular consequence: missense variant.
Genome position (GRCh38, 1-based): chr1:155,904,792, T>G on the plus strand (A>C on the coding strand, the complement: RIT1 is on the minus strand). VCF-style: chr1-155904792-T-G. GRCh37 (hg19) VCF-style: chr1-155874583-T-G.
Other names: c.68A>C, p.Lys23Thr (NM_001256820.2); c.227A>C, p.Lys76Thr (NM_001256821.2); short protein forms K23T, K59T, K76T.
Identifiers: ClinVar variation 3364800 (VCV003364800.1).

ClinVar aggregate classification (germline): Uncertain significance (1 of 4 stars; one submission).

Submission:

GeneDx
Classification: Uncertain significance. Last evaluated: 2023-11-28. Review status: criteria provided, single submitter. Criteria: GeneDx Variant Classification Process June 2021. Collection method: clinical testing. Allele origin: germline. Affected: yes.
Comment: Not observed at significant frequency in large population cohorts (gnomAD); In silico analysis supports that this missense variant has a deleterious effect on protein structure/function; Has not been previously published as pathogenic or benign to our knowledge